The following is an entry in ClinVar:

NM_001330723.2(SNX27):c.862A>G (p.Thr288Ala)

Gene: SNX27 (sorting nexin 27; plus strand). Cytogenetic location: 1q21.3.
Variant type: single nucleotide variant.
Coding change: c.862A>G on transcript NM_001330723.2 (MANE Select); coding-DNA position 862, A replaced by G.
Protein change: p.Thr288Ala; replaces threonine 288 with alanine.
Molecular consequence: missense variant.
Genome position (GRCh38, 1-based): chr1:151,662,226, A>G. VCF-style: chr1-151662226-A-G. GRCh37 (hg19) VCF-style: chr1-151634702-A-G.
Other names: c.862A>G, p.Thr288Ala (NM_030918.6); short protein forms T288A.
Identifiers: ClinVar variation 644438 (VCV000644438.7), dbSNP rs1198073102, ClinGen allele CA341962079.

ClinVar aggregate classification (germline): Uncertain significance (1 of 4 stars; one submission).

Conditions:
Severe myoclonic epilepsy in infancy (DRVT). Also called: SEVERE MYOCLONIC EPILEPSY OF INFANCY; DEVELOPMENTAL AND EPILEPTIC ENCEPHALOPATHY 6A; Epileptic encephalopathy, early infantile, 6 (Dravet syndrome); Dravet syndrome; Severe Myoclonic Epilepsy in Infancy (SMEI). Identifiers: Orphanet 33069, MedGen C0751122, MONDO:0100135, OMIM 607208.

Allele frequency attached by ClinVar (database versions not stated): gnomAD exomes below 0.00001; TOPMed below 0.00001; gnomAD 0.00001.
gnomAD v4.1: 3 of 1,613,664 alleles (0.00019%); highest among the groups gnomAD compares: Non-Finnish European, 0.00017%; no homozygotes.

Submission:

Labcorp Genetics (formerly Invitae), Labcorp
Classification: Uncertain significance for Severe myoclonic epilepsy in infancy. Last evaluated: 2021-05-18. Review status: criteria provided, single submitter. Criteria: Invitae Variant Classification Sherloc (09022015). Collection method: clinical testing. Allele origin: germline.
Comment: In summary, the available evidence is currently insufficient to determine the role of this variant in disease. Therefore, it has been classified as a Variant of Uncertain Significance. Algorithms developed to predict the effect of missense changes on protein structure and function are either unavailable or do not agree on the potential impact of this missense change (SIFT: "Deleterious"; PolyPhen-2: "Benign"; Align-GVGD: "Class C0"). This variant has not been reported in the literature in individuals with SNX27-related disease. This variant is not present in population databases (ExAC no frequency). This sequence change replaces threonine with alanine at codon 288 of the SNX27 protein (p.Thr288Ala). The threonine residue is highly conserved and there is a small physicochemical difference between threonine and alanine.